The following is an entry in ClinVar:

NM_080425.4(GNAS):c.838G>A (p.Ala280Thr)

Gene: GNAS (GNAS complex locus; plus strand). Cytogenetic location: 20q13.32.
Variant type: single nucleotide variant.
Coding change: c.838G>A on transcript NM_080425.4 (MANE Plus Clinical); coding-DNA position 838, G replaced by A.
Protein change: p.Ala280Thr; replaces alanine 280 with threonine.
Molecular consequence: missense variant. On other transcripts: synonymous variant (2), intron variant (3).
Genome position (GRCh38, 1-based): chr20:58,854,103, G>A. VCF-style: chr20-58854103-G-A. GRCh37 (hg19) VCF-style: chr20-57429158-G-A.
Other names: c.651G>A, p.Ala217= (NM_001077490.3, NM_001309883.1); c.838G>A, p.Ala280Thr (NM_001410913.1); c.*42+13217G>A (NM_016592.5); c.43+13217G>A (NM_001410912.1); c.-39+12228G>A (NM_001309861.2); short protein forms A280T.
Identifiers: ClinVar variation 4945459 (VCV004945459.2).

ClinVar aggregate classification (germline): Likely benign. Review status: criteria provided, multiple submitters, no conflicts (2 of 4 stars). 2 submissions from 2 submitters: Likely benign (2). Last evaluated 2024-10-23.

Conditions:
GNAS-related disorder. Identifiers: MedGen CN380105.

gnomAD v4.1: 77 of 1,612,186 alleles (0.0048%); highest among the groups gnomAD compares: East Asian, 0.12%; no homozygotes.

Submissions (2):

PreventionGenetics, part of Exact Sciences
Classification: Likely benign for GNAS-related condition. Last evaluated: 2024-10-23. Review status: criteria provided, single submitter. Criteria: ACMG Guidelines, 2015. Collection method: clinical testing. Allele origin: germline.
Comment: This variant is classified as likely benign based on ACMG/AMP sequence variant interpretation guidelines (Richards et al. 2015 PMID: 25741868, with internal and published modifications).

Blueprint Genetics
Classification: Likely benign. Last evaluated: 2022-09-02. Review status: criteria provided, single submitter. Criteria: ACMG Guidelines, 2015. Collection method: clinical testing. Allele origin: germline.